The following is an entry in ClinVar:

ClinVar aggregate classification (germline): Uncertain significance (1 of 4 stars; one submission).

Conditions:
Inborn genetic diseases. Identifiers: MedGen C0950123, MeSH D030342.

Submission:

Ambry Genetics
Classification: Uncertain significance for Inborn genetic diseases. Last evaluated: 2025-03-10. Review status: criteria provided, single submitter. Criteria: Ambry Variant Classification Scheme 2023. Collection method: clinical testing. Allele origin: germline.
Comment: The p.W432R variant (also known as c.1294T>C), located in coding exon 5 of the MBD4 gene, results from a T to C substitution at nucleotide position 1294. The tryptophan at codon 432 is replaced by arginine, an amino acid with dissimilar properties. This amino acid position is conserved. In addition, this alteration is predicted to be deleterious by in silico analysis. Based on the available evidence, the clinical significance of this variant remains unclear.

NM_001276270.2(MBD4):c.1294T>C (p.Trp432Arg)

Gene: MBD4 (methyl-CpG binding domain 4, DNA glycosylase; minus strand). Cytogenetic location: 3q21.3.
Variant type: single nucleotide variant.
Coding change: c.1294T>C on transcript NM_001276270.2 (MANE Select); coding-DNA position 1294, T replaced by C.
Protein change: p.Trp432Arg; replaces tryptophan 432 with arginine.
Molecular consequence: missense variant.
Genome position (GRCh38, 1-based): chr3:129,433,949, A>G on the plus strand (T>C on the coding strand, the complement: MBD4 is on the minus strand). VCF-style: chr3-129433949-A-G. GRCh37 (hg19) VCF-style: chr3-129152792-A-G.
Other names: c.1312T>C, p.Trp438Arg (NM_001276271.2, NM_001276272.2, NM_003925.3); c.358T>C, p.Trp120Arg (NM_001276273.2); short protein forms W120R, W432R, W438R.
Identifiers: ClinVar variation 3870953 (VCV003870953.1).